The following is an entry in ClinVar:

ClinVar aggregate classification (germline): Uncertain significance. Review status: criteria provided, multiple submitters, no conflicts (2 of 4 stars). 2 submissions from 2 submitters: Uncertain significance (2). Last evaluated 2024-02-17.

Conditions:
Facial dysmorphism-immunodeficiency-livedo-short stature syndrome. Also called: Facial dysmorphism, immunodeficiency, livedo, and short stature; FILS syndrome. Identifiers: Orphanet 352712, MedGen C3554576, MONDO:0014058, OMIM 615139.
Colorectal cancer, susceptibility to, 12 (CRCS12). Also called: COLORECTAL CANCER, SUSCEPTIBILITY TO, ON CHROMOSOME 12q24. Identifiers: Orphanet 220460, MedGen C3554460, MONDO:0014038, OMIM 615083.
Intrauterine growth retardation, metaphyseal dysplasia, adrenal hypoplasia congenita, genital anomalies, and immunodeficiency. Also called: IMAGEI SYNDROME. Identifiers: MedGen C5193036, MONDO:0032684, OMIM 618336.

Submissions (2):

Fulgent Genetics
Classification: Uncertain significance for Colorectal cancer, susceptibility to, 12; Facial dysmorphism-immunodeficiency-livedo-short stature syndrome; Intrauterine growth retardation, metaphyseal dysplasia, adrenal hypoplasia congenita, genital anomalies, and immunodeficiency. Last evaluated: 2024-02-17. Review status: criteria provided, single submitter. Criteria: ACMG Guidelines, 2015. Collection method: clinical testing. Allele origin: germline.

GeneDx
Classification: Uncertain significance. Last evaluated: 2023-12-18. Review status: criteria provided, single submitter. Criteria: GeneDx Variant Classification Process June 2021. Collection method: clinical testing. Allele origin: germline. Affected: yes.
Comment: Not observed at significant frequency in large population cohorts (gnomAD); In silico analysis supports that this missense variant has a deleterious effect on protein structure/function; Has not been previously published as pathogenic or benign to our knowledge; In silico analysis is inconclusive as to whether the variant alters gene splicing. In the absence of RNA/functional studies, the actual effect of this sequence change is unknown.

NM_006231.4(POLE):c.929G>T (p.Arg310Met)

Gene: POLE (DNA polymerase epsilon, catalytic subunit; minus strand). Cytogenetic location: 12q24.33.
Variant type: single nucleotide variant.
Coding change: c.929G>T on transcript NM_006231.4 (MANE Select); coding-DNA position 929, G replaced by T.
Protein change: p.Arg310Met; replaces arginine 310 with methionine.
Molecular consequence: missense variant.
Genome position (GRCh38, 1-based): chr12:132,676,185, C>A on the plus strand (G>T on the coding strand, the complement: POLE is on the minus strand). VCF-style: chr12-132676185-C-A. GRCh37 (hg19) VCF-style: chr12-133252771-C-A.
Other names: short protein forms R310M.
Identifiers: ClinVar variation 3365955 (VCV003365955.2).